The following is an entry in ClinVar:

NM_172107.4(KCNQ2):c.1931A>G (p.Tyr644Cys)

Gene: KCNQ2 (potassium voltage-gated channel subfamily Q member 2; minus strand). Cytogenetic location: 20q13.33.
Variant type: single nucleotide variant.
Coding change: c.1931A>G on transcript NM_172107.4 (MANE Select); coding-DNA position 1931, A replaced by G.
Protein change: p.Tyr644Cys; replaces tyrosine 644 with cysteine.
Molecular consequence: missense variant.
Genome position (GRCh38, 1-based): chr20:63,407,332, T>C on the plus strand (A>G on the coding strand, the complement: KCNQ2 is on the minus strand). VCF-style: chr20-63407332-T-C. GRCh37 (hg19) VCF-style: chr20-62038685-T-C.
Other names: c.1985A>G, p.Tyr662Cys (NM_001382235.1); c.1847A>G, p.Tyr616Cys (NM_004518.6); c.1877A>G, p.Tyr626Cys (NM_172106.3); c.1838A>G, p.Tyr613Cys (NM_172108.5); short protein forms Y613C, Y616C, Y626C, Y644C, Y662C.
Identifiers: ClinVar variation 3603153 (VCV003603153.1).
Genomic context (GRCh38, chr20:63,407,332, plus strand): 5'-GGCTCTTTGGCCCCAAAGTAGGCCTCGGTCTCTGTCGGGGGGATGCCCATCCGCTGCATG[T>C]AGATATTCACCAGGAAGTCCAGCTTCTTCTCCATGGACAAGACCTGCAAAAGGGGCTGCT-3'
Protein context (NP_742105.1, residues 634-654): EKKLDFLVNI[Tyr644Cys]MQRMGIPPTE

ClinVar aggregate classification (germline): Uncertain significance (1 of 4 stars; one submission).

gnomAD v4.1: 1 of 1,597,562 alleles (0.000063%); highest among the groups gnomAD compares: East Asian, 0.0022%; no homozygotes.

Submission:

GeneDx
Classification: Uncertain significance. Last evaluated: 2024-08-06. Review status: criteria provided, single submitter. Criteria: GeneDx Variant Classification Process June 2021. Collection method: clinical testing. Allele origin: germline. Affected: yes.
Comment: Not observed at significant frequency in large population cohorts (gnomAD); In silico analysis supports that this missense variant has a deleterious effect on protein structure/function; Has not been previously published as pathogenic or benign to our knowledge; This substitution is predicted to be within the C-terminal cytoplasmic domain